The following is an entry in ClinVar:

ClinVar aggregate classification (germline): Uncertain significance (1 of 4 stars; one submission).

Submission:

Labcorp Genetics (formerly Invitae), Labcorp
Classification: Uncertain significance. Last evaluated: 2023-03-02. Review status: criteria provided, single submitter. Criteria: Invitae Variant Classification Sherloc (09022015). Collection method: clinical testing. Allele origin: germline.
Comment: This sequence change falls in intron 11 of the DSTYK gene. It does not directly change the encoded amino acid sequence of the DSTYK protein. It affects a nucleotide within the consensus splice site. This variant is not present in population databases (gnomAD no frequency). This variant has not been reported in the literature in individuals affected with DSTYK-related conditions. Variants that disrupt the consensus splice site are a relatively common cause of aberrant splicing (PMID: 17576681, 9536098). Algorithms developed to predict the effect of sequence changes on RNA splicing suggest that this variant is not likely to affect RNA splicing. In summary, the available evidence is currently insufficient to determine the role of this variant in disease. Therefore, it has been classified as a Variant of Uncertain Significance.

Literature cited by the submitters: PubMed 17576681; PubMed 9536098.

NM_015375.3(DSTYK):c.2467+6G>A

Gene: DSTYK (dual serine/threonine and tyrosine protein kinase; minus strand). Cytogenetic location: 1q32.1.
Variant type: single nucleotide variant.
Coding change: c.2467+6G>A on transcript NM_015375.3 (MANE Select); 6 bases into the intron after coding-DNA position 2467, G replaced by A.
Molecular consequence: intron variant.
Genome position (GRCh38, 1-based): chr1:205,150,674, C>T on the plus strand (G>A on the coding strand, the complement: DSTYK is on the minus strand). VCF-style: chr1-205150674-C-T. GRCh37 (hg19) VCF-style: chr1-205119802-C-T.
Other names: c.2467+6G>A (NM_199462.3).
Identifiers: ClinVar variation 2842271 (VCV002842271.3), dbSNP rs2526778526, ClinGen allele CA2739275566.